The following is an entry in ClinVar:

NM_001378030.1(CCDC78):c.545C>T (p.Ala182Val)

Gene: CCDC78 (coiled-coil domain containing 78; minus strand). Cytogenetic location: 16p13.3.
Variant type: single nucleotide variant.
Coding change: c.545C>T on transcript NM_001378030.1 (MANE Select); coding-DNA position 545, C replaced by T.
Protein change: p.Ala182Val; replaces alanine 182 with valine.
Molecular consequence: missense variant. On other transcripts: synonymous variant (1), non-coding transcript variant (5).
Genome position (GRCh38, 1-based): chr16:725,093, G>A on the plus strand (C>T on the coding strand, the complement: CCDC78 is on the minus strand). VCF-style: chr16-725093-G-A. GRCh37 (hg19) VCF-style: chr16-775093-G-A.
Other names: c.545C>T, p.Ala182Val (NM_001031737.3, NM_001378031.1); c.183C>T, p.Gly61= (NM_001378033.1); short protein forms A182V.
Identifiers: ClinVar variation 1484220 (VCV001484220.8), dbSNP rs1000549010, ClinGen allele CA276520083.

ClinVar aggregate classification (germline): Uncertain significance (1 of 4 stars; one submission).

Conditions:
Congenital myopathy with internal nuclei and atypical cores. Also called: Myopathy, centronuclear, 4. Identifiers: Orphanet 319160, MedGen C4707232, MONDO:0013890, OMIM 614807.

Allele frequency attached by ClinVar (database versions not stated): gnomAD exomes below 0.00001.
gnomAD v4.1: 1 of 1,612,722 alleles (0.000062%); highest among the groups gnomAD compares: African/African-American, 0.0013%; no homozygotes.

Submission:

Labcorp Genetics (formerly Invitae), Labcorp
Classification: Uncertain significance for Congenital myopathy with internal nuclei and atypical cores. Last evaluated: 2021-06-08. Review status: criteria provided, single submitter. Criteria: Invitae Variant Classification Sherloc (09022015). Collection method: clinical testing. Allele origin: germline.
Comment: This sequence change replaces alanine with valine at codon 182 of the CCDC78 protein (p.Ala182Val). The alanine residue is moderately conserved and there is a small physicochemical difference between alanine and valine. This variant is not present in population databases (ExAC no frequency). This variant has not been reported in the literature in individuals with CCDC78-related conditions. Algorithms developed to predict the effect of missense changes on protein structure and function output the following: SIFT: "Tolerated"; PolyPhen-2: "Benign"; Align-GVGD: "Class C0". The valine amino acid residue is found in multiple mammalian species, suggesting that this missense change does not adversely affect protein function. These predictions have not been confirmed by published functional studies and their clinical significance is uncertain. Algorithms developed to predict the effect of sequence changes on RNA splicing suggest that this variant may create or strengthen a splice site, but this prediction has not been confirmed by published transcriptional studies. In summary, the available evidence is currently insufficient to determine the role of this variant in disease. Therefore, it has been classified as a Variant of Uncertain Significance.